The following is an entry in ClinVar:

ClinVar aggregate classification (germline): Pathogenic. Review status: reviewed by expert panel (3 of 4 stars). 25 submissions from 25 submitters: Pathogenic (1). 24 of the submissions do not count toward it. Last evaluated 2025-06-24.

Conditions:
Miyoshi muscular dystrophy 3 (MMD3). Also called: Miyoshi myopathy 3; Miyoshi Muscular Dystrophy 3 (MMD3). Identifiers: Orphanet 399096, MedGen C2750076, MONDO:0013222, OMIM 613319.
ANO5-related disorder. Also called: ANO5-related condition; ANO5-related disorders. Identifiers: MedGen CN239193.
Autosomal recessive limb-girdle muscular dystrophy type 2L (LGMDR12). Also called: MUSCULAR DYSTROPHY, LIMB-GIRDLE, AUTOSOMAL RECESSIVE 12; Limb-girdle muscular dystrophy, type 2L; Limb-Girdle Muscular Dystrophy R12 Anoctamin-5-Related (LGMD-R12). Identifiers: Orphanet 206549, MedGen C1969785, MONDO:0012652, OMIM 611307.
Gnathodiaphyseal dysplasia (GDD). Also called: GNATHODIAPHYSEAL SCLEROSIS; OSTEOGENESIS IMPERFECTA WITH UNUSUAL SKELETAL LESIONS. Identifiers: Orphanet 53697, MedGen C1833736, MONDO:0008151, OMIM 166260.
Abnormality of the musculature. Identifiers: MedGen C4021745, HP:0003011.
Autosomal recessive limb-girdle muscular dystrophy. Identifiers: Orphanet 102015, MedGen C2931907, MONDO:0015152.

Allele frequency attached by ClinVar (database versions not stated): 1000 Genomes Project 0.00020; ESP Exome Variant Server 0.00008; 1000 Genomes Project 30x 0.00016; gnomAD 0.00014 and 0.00016; TOPMed 0.00009.
gnomAD v4.1: 125 of 1,613,322 alleles (0.0077%); highest among the groups gnomAD compares: Middle Eastern, 0.38%; 3 homozygotes.

Submissions 1 to 7 of 25:

ClinGen Limb Girdle Muscular Dystrophy Variant Curation Expert Panel, ClinGen
Classification: Pathogenic for Autosomal recessive limb-girdle muscular dystrophy. Last evaluated: 2025-06-24. Review status: reviewed by expert panel. Criteria: ClinGen LGMD VCEP ACMG Specifications ANO5 V1.0.0. Collection method: curation. Allele origin: germline. Inheritance: Autosomal recessive inheritance.
Comment: The NM_213599.3: c.172C>T variant in ANO5 is a missense variant predicted to cause substitution of arginine by tryptophan at amino acid 58 (p.Arg58Trp). This variant has been detected in at least seven individuals with limb girdle muscular dystrophy or persistent hyperCKemia, including in unknown phase with a pathogenic variant (c.191dup x2, 1.0 pts, PMID: 22499103, 30564623, LOVD Individual #00220701) and confirmed in trans with a pathogenic variant (c.2018A>G p.(Tyr673Cys), 1.0 pt, PMID: 23055322; c.148C>T p.(Arg50Ter), 1.0 pt, PMID: 30564623, LOVD Individual #00078872). Three individuals were homozygous for the variant, all of whom experienced progressive muscle weakness or showed myopathic or dystrophic signs on muscle biopsy (1.0 pt, PMID: 31353849, 27854218) (PM3_Very Strong). At least one patient with this variant displayed progressive limb girdle muscle weakness (PP4). The variant has also been reported to segregate with autosomal recessive LGMD in one affected family member (PP1; PMID: 23055322). The Grpmax filtering allele frequency for this variant is 0.002728 in gnomAD v4.1.0 exomes (the lower bound of the 95% confidence interval of 23/5762 Middle Eastern chromosomes), which is higher than the threshold of 0.001 for BS1. The Middle Eastern genetic ancestry group also includes three homozygous individuals. However, in light of the overall evidence for this variant and the potential for late onset and subclinical presentation, the LGMD VCEP considers this variant a BS1 exception. The computational predictor REVEL gives a score of 0.572 (PP3, BP4 not met). In summary, this variant meets the criteria to be classified as Pathogenic for autosomal recessive limb girdle muscular dystrophy based on the ACMG/AMP criteria applied, as specified by the ClinGen LGMD VCEP (LGMD VCEP specifications version 1.0.0; 06/24/2025): PM3_Very Strong, PP4, PP1.

Dasa
Classification: Pathogenic. Last evaluated: 2026-02-20. Review status: criteria provided, single submitter. Criteria: DASA Assertion Criteria. Collection method: clinical testing. Allele origin: germline. Not counted in ClinVar's aggregate classification.
Comment: NM_213599.3(ANO5):c.172C>T (p.Arg58Trp) is a missense variant that results in the substitution of arginine with tryptophan. Segregation evidence has been reported in affected families. This variant has been observed in affected individuals with related phenotype in a genotype context consistent with recessive disease (PMID: 39232665; PMID: 36913258; PMID: 22499103; PMID: 27854218; PMID: 25891276). This variant has been recurrently observed in individuals with related phenotype (PMID: 39232665; PMID: 36913258; PMID: 22499103; PMID: 27854218; PMID: 25891276). Based on the available data, this variant is classified as pathogenic.

PreventionGenetics, part of Exact Sciences
Classification: Pathogenic for ANO5-related condition. Last evaluated: 2026-02-20. Review status: criteria provided, single submitter. Criteria: ACMG Guidelines, 2015. Collection method: clinical testing. Allele origin: germline. Not counted in ClinVar's aggregate classification.
Comment: The ANO5 c.172C>T variant is predicted to result in the amino acid substitution p.Arg58Trp. This variant has been reported in many unrelated individuals to be causative for autosomal recessive ANO5-related disorders (Punetha et al. 2016. PubMed ID: 27854218; Schessl et al. 2012. PubMedID: 22499103; Wahbi et al. 2013. PubMedID: 23041008). This variant is reported in 0.048% of alleles in individuals of Latino descent in gnomAD. This variant is interpreted as pathogenic.

Labcorp Genetics (formerly Invitae), Labcorp
Classification: Pathogenic for Autosomal recessive limb-girdle muscular dystrophy type 2L; Gnathodiaphyseal dysplasia. Last evaluated: 2025-12-21. Review status: criteria provided, single submitter. Criteria: Invitae Variant Classification Sherloc (09022015). Collection method: clinical testing. Allele origin: germline. Not counted in ClinVar's aggregate classification.
Comment: This sequence change replaces arginine, which is basic and polar, with tryptophan, which is neutral and slightly polar, at codon 58 of the ANO5 protein (p.Arg58Trp). This variant is present in population databases (rs201725369, gnomAD 0.05%). This missense change has been observed in individual(s) with autosomal recessive distal myopathy and persistent asymptomatic hyperCK-emia (PMID: 22499103, 23041008, 23670307, 25891276, 27854218). In at least one individual the data is consistent with being in trans (on the opposite chromosome) from a pathogenic variant. It has also been observed to segregate with disease in related individuals. ClinVar contains an entry for this variant (Variation ID: 197402). Invitae Evidence Modeling of protein sequence and biophysical properties (such as structural, functional, and spatial information, amino acid conservation, physicochemical variation, residue mobility, and thermodynamic stability) has been performed for this missense variant. However, the output from this modeling did not meet the statistical confidence thresholds required to predict the impact of this variant on ANO5 protein function. For these reasons, this variant has been classified as Pathogenic.

Variantyx, Inc.
Classification: Pathogenic for Autosomal recessive limb-girdle muscular dystrophy type 2L. Last evaluated: 2025-10-31. Review status: criteria provided, single submitter. Criteria: Variantyx Assertion Criteria 2022. Collection method: clinical testing. Allele origin: germline. Inheritance: Autosomal recessive inheritance. Affected: yes. Not counted in ClinVar's aggregate classification.
Comment: This is a nonsynonymous variant in the ANO5 gene (OMIM: 608662). Pathogenic variants in this gene have been associated with autosomal recessive limb girdle muscular dystrophy 12. This variant has been identified in the homozygous or compound heterozygous state in at least seven individuals reported in the published literature (PMID: 22499103, 23055322, 30564623, 31353849, 27854218) (PM3). Computational algorithms produce conflicting evidence regarding the predicted functional impact of this variant (REVEL score: 0.572), but functional studies have shown that this variant alters ANO5 protein function (PMID: 33496727) (PS3_Moderate). Other reputable laboratories have reported this variant as pathogenic or likely pathogenic, and this classification has been validated by an expert panel in ClinVar (PP5). This variant has a 0.0635% maximum allele frequency in non-founder control populations. Based on the current evidence, this variant is classified as pathogenic for autosomal recessive limb girdle muscular dystrophy 12.

3billion
Classification: Pathogenic for Autosomal recessive limb-girdle muscular dystrophy type 2L. Last evaluated: 2025-10-27. Review status: criteria provided, single submitter. Criteria: ACMG Guidelines, 2015. Collection method: clinical testing. Allele origin: germline. Affected: yes. Not counted in ClinVar's aggregate classification.
Comment: The variant is observed at an extremely low frequency in the gnomAD v4.1.0 dataset (total allele frequency: 0.008%). Predicted Consequence/Location: Missense variant. The majority of the known disease-causing variants of this gene are variants expected to result in premature termination of the protein. In silico tool predictions suggest damaging effect of the variant on gene or gene product [3Cnet: 0.99 (> 0.75, sensitivity 0.96 and precision 0.92)]. The same nucleotide change resulting in the same amino acid change has been previously reported as pathogenic/likely pathogenic with strong evidence (ClinVar ID: VCV000197402 /3billion dataset). The variant has been reported to be in trans with a pathogenic variant as either compound heterozygous or homozygous in at least one similarly affected unrelated individual (PMID: 23041008, 25891276). A different missense change at the same codon (p.Arg58Gln) has been reported as pathogenic/likely pathogenic with strong evidence (ClinVar ID: VCV000497402 /PMID: 30919934). Therefore, this variant is classified as Pathogenic according to the recommendation of ACMG/AMP guideline.

Revvity Omics, Revvity
Classification: Pathogenic. Last evaluated: 2025-06-26. Review status: criteria provided, single submitter. Criteria: ACMG Guidelines, 2015. Collection method: clinical testing. Allele origin: germline. Not counted in ClinVar's aggregate classification.

NM_213599.3(ANO5):c.172C>T (p.Arg58Trp)

Gene: ANO5 (anoctamin 5; plus strand). Cytogenetic location: 11p14.3.
Variant type: single nucleotide variant.
Coding change: c.172C>T on transcript NM_213599.3 (MANE Select); coding-DNA position 172, C replaced by T.
Protein change: p.Arg58Trp; replaces arginine 58 with tryptophan.
Molecular consequence: missense variant.
Genome position (GRCh38, 1-based): chr11:22,218,279, C>T. VCF-style: chr11-22218279-C-T. GRCh37 (hg19) VCF-style: chr11-22239825-C-T.
Other names: NM_001142649.1(ANO5):c.169C>T(p.Arg57Trp); NM_213599.2(ANO5):c.172C>T(p.Arg58Trp); NM_213599.3(ANO5):c.172C>T; c.169C>T, p.Arg57Trp (NM_001142649.2); short protein forms R58W, R57W.
Identifiers: ClinVar variation 197402 (VCV000197402.105), dbSNP rs201725369, ClinGen allele CA202865.